The following is an entry in ClinVar:

ClinVar aggregate classification (germline): Likely pathogenic (1 of 4 stars; one submission).

Conditions:
Familial cancer of breast. Also called: BREAST CANCER, FAMILIAL; hereditary breast carcinoma; Hereditary breast cancer. Identifiers: Orphanet 227535, MedGen C0346153, MONDO:0016419, OMIM 114480. Disease mechanism: loss of function.

Submission:

Myriad Genetics, Inc.
Classification: Likely pathogenic for Familial cancer of breast. Last evaluated: 2023-06-27. Review status: criteria provided, single submitter. Criteria: Myriad Autosomal Dominant, Autosomal Recessive and X-Linked Classification Criteria (2023). Collection method: clinical testing. Allele origin: unknown.
Comment: This variant is considered likely pathogenic. This variant occurs within a consensus splice junction and is predicted to result in abnormal mRNA splicing of either an out-of-frame exon or an in-frame exon necessary for protein stability and/or normal function.

NM_007194.4(CHEK2):c.847-1_893del

Gene: CHEK2 (checkpoint kinase 2; minus strand). Cytogenetic location: 22q12.1.
Variant type: Deletion.
Coding change: c.847-1_893del on transcript NM_007194.4 (MANE Select); the canonical splice acceptor site of the intron before coding-DNA position 847 through coding-DNA position 893, 48 bases deleted.
Molecular consequence: splice acceptor variant.
Genome position (GRCh38, 1-based): chr22:28,703,520-28,703,567, 48 bases deleted; deleting any 48 consecutive bases within chr22:28,703,520-28,703,570 gives the same sequence; the c. name uses the placement nearest the transcript's 3' end. GRCh37 (hg19): chr22:29,099,511-29,099,558.
Other names: c.940-1_986del (NM_001438295.1, NM_001438293.1); c.184-1_230del (NM_001257387.3, NM_001437942.1); c.976-1_1022del (NM_001438294.1, NM_001005735.3); c.646-1_692del (NM_001349956.3); c.847-1_893del (NM_145862.3).
Identifiers: ClinVar variation 2583772 (VCV002583772.2), dbSNP rs2517885584, ClinGen allele CA2582342736.